The following is an entry in ClinVar:

NC_000023.11:g.(?_134500010)_(134500097_?)del

Gene: HPRT1 (hypoxanthine phosphoribosyltransferase 1; plus strand). Cytogenetic location: Xq26.3.
Variant type: Deletion.
Identifiers: ClinVar variation 830749 (VCV000830749.9).

ClinVar aggregate classification (germline): Pathogenic (1 of 4 stars; one submission).

Conditions:
Lesch-Nyhan syndrome (LNS). Also called: HPRT DEFICIENCY, COMPLETE; Lesch-Nyhan Disease (LND). Identifiers: Orphanet 510, MedGen C0023374, MONDO:0010298, OMIM 300322.
Partial hypoxanthine-guanine phosphoribosyltransferase deficiency. Also called: HPRT1 DEFICIENCY, PARTIAL; HPRT DEFICIENCY, PARTIAL; HYPOXANTHINE GUANINE PHOSPHORIBOSYLTRANSFERASE 1 DEFICIENCY, PARTIAL; Kelley-Seegmiller Syndrome; GOUT, HPRT-RELATED. Identifiers: Orphanet 79233, MedGen C0268117, MONDO:0010299, OMIM 300323.

Submission:

Labcorp Genetics (formerly Invitae), Labcorp
Classification: Pathogenic for Lesch-Nyhan syndrome; Partial hypoxanthine-guanine phosphoribosyltransferase deficiency. Last evaluated: 2019-12-16. Review status: criteria provided, single submitter. Criteria: Invitae Variant Classification Sherloc (09022015). Collection method: clinical testing. Allele origin: germline.
Comment: For these reasons, this variant has been classified as Pathogenic. A similar deletion of exon 9 has been observed in individual(s) with Lesch-Nyhan syndrome (PMID: 15505382, 23975452). This variant is a gross deletion of the genomic region encompassing exon 9 of the HPRT1 gene. The 5' boundary is likely confined to intron 8. The 3' end of this event is unknown as it extends through the termination codon beyond the assayed region for this gene and may encompass additional genes. While this deletion is not anticipated to result in nonsense mediated decay, it is expected to create a truncated protein product or disrupt mRNA translation.

Literature cited by the submitters: PubMed 15505382; PubMed 23975452.